The following is an entry in ClinVar:

ClinVar aggregate classification (germline): Uncertain significance. Review status: criteria provided, multiple submitters, no conflicts (2 of 4 stars). 2 submissions from 2 submitters: Uncertain significance (2). Last evaluated 2026-03-19.

Conditions:
Inborn genetic diseases. Identifiers: MedGen C0950123, MeSH D030342.

Allele frequency attached by ClinVar (database versions not stated): gnomAD exomes 0.00002 and below 0.00001; TOPMed 0.00003; gnomAD 0.00001; ExAC 0.00001.

Submissions (2):

Ambry Genetics
Classification: Uncertain significance for Inborn genetic diseases. Last evaluated: 2026-03-19. Review status: criteria provided, single submitter. Criteria: Ambry Variant Classification Scheme 2023. Collection method: clinical testing. Allele origin: germline.
Comment: The c.844C>T (p.P282S) alteration is located in exon 8 (coding exon 6) of the SCN3A gene. This alteration results from a C to T substitution at nucleotide position 844, causing the proline (P) at amino acid position 282 to be replaced by a serine (S). Based on data from gnomAD, the T allele has an overall frequency of <0.001% (1/251448) total alleles studied. The highest observed frequency was 0.006% (1/16256) of African alleles. Based on insufficient or conflicting evidence, the clinical significance of this alteration remains unclear.

Labcorp Genetics (formerly Invitae), Labcorp
Classification: Uncertain significance. Last evaluated: 2025-09-16. Review status: criteria provided, single submitter. Criteria: Invitae Variant Classification Sherloc (09022015). Collection method: clinical testing. Allele origin: germline.
Comment: This sequence change replaces proline, which is neutral and non-polar, with serine, which is neutral and polar, at codon 282 of the SCN3A protein (p.Pro282Ser). This variant is present in population databases (rs771403348, gnomAD 0.007%). This missense change has been observed in individual(s) with clinical features of SCN3A-related conditions (internal data). ClinVar contains an entry for this variant (Variation ID: 858585). Invitae Evidence Modeling of protein sequence and biophysical properties (such as structural, functional, and spatial information, amino acid conservation, physicochemical variation, residue mobility, and thermodynamic stability) indicates that this missense variant is not expected to disrupt SCN3A protein function with a negative predictive value of 95%. In summary, the available evidence is currently insufficient to determine the role of this variant in disease. Therefore, it has been classified as a Variant of Uncertain Significance.

NM_006922.4(SCN3A):c.844C>T (p.Pro282Ser)

Gene: SCN3A (sodium voltage-gated channel alpha subunit 3; minus strand). Cytogenetic location: 2q24.3.
Variant type: single nucleotide variant.
Coding change: c.844C>T on transcript NM_006922.4 (MANE Select); coding-DNA position 844, C replaced by T.
Protein change: p.Pro282Ser; replaces proline 282 with serine.
Molecular consequence: missense variant.
Genome position (GRCh38, 1-based): chr2:165,162,679, G>A on the plus strand (C>T on the coding strand, the complement: SCN3A is on the minus strand). VCF-style: chr2-165162679-G-A. GRCh37 (hg19) VCF-style: chr2-166019189-G-A.
Other names: c.844C>T, p.Pro282Ser (NM_001081676.2, NM_001081677.2); short protein forms P282S.
Identifiers: ClinVar variation 858585 (VCV000858585.10), dbSNP rs771403348, ClinGen allele CA1939327.
Genomic context (GRCh38, chr2:165,162,679, plus strand): 5'-TTGAATCCATTGTGCCATTAAAGTAGGAAGTGGTGTTGGTTTCAAAAGCAGAATCGCTTG[G>A]GGGCCACTGCAAACATTTATTCCTCAGATTGCCCATGAACAGCTGCAGCCCAATGAGAGC-3'
Protein context (NP_008853.3, residues 272-292): NLRNKCLQWP[Pro282Ser]SDSAFETNTT